The following is an entry in ClinVar:

NM_178857.6(RP1L1):c.2754G>A (p.Gly918=)

Gene: RP1L1 (RP1 like 1). Cytogenetic location: 8p23.1.
Variant type: single nucleotide variant.
Coding change: c.2754G>A on transcript NM_178857.6 (MANE Select); coding-DNA position 2754, G replaced by A.
Protein change: p.Gly918=; no amino-acid change (glycine 918 retained).
Molecular consequence: synonymous variant.
Genome position (GRCh38, 1-based): chr8:10,611,344, C>T on the plus strand (G>A on the coding strand, the complement: RP1L1 is on the minus strand). VCF-style: chr8-10611344-C-T. GRCh37 (hg19) VCF-style: chr8-10468854-C-T.
Other names: c.2754G>A (NM_178857.5).
Identifiers: ClinVar variation 2499067 (VCV002499067.30), dbSNP rs775043167, ClinGen allele CA4624721.

ClinVar aggregate classification (germline): Likely benign. Review status: criteria provided, multiple submitters, no conflicts (2 of 4 stars). 3 submissions from 3 submitters: Likely benign (3). Last evaluated 2025-11-12.

Conditions:
RP1L1-related disorder. Also called: RP1L1-related condition.

Allele frequency attached by ClinVar (database versions not stated): gnomAD 0.00003; TOPMed 0.00004; ExAC 0.00008.

Submissions (3):

PreventionGenetics, part of Exact Sciences
Classification: Likely benign for RP1L1-related condition. Last evaluated: 2025-11-12. Review status: criteria provided, single submitter. Criteria: ACMG Guidelines, 2015. Collection method: clinical testing. Allele origin: germline.
Comment: This variant is classified as likely benign based on ACMG/AMP sequence variant interpretation guidelines (Richards et al. 2015 PMID: 25741868, with internal and published modifications).

Blueprint Genetics
Classification: Likely benign. Last evaluated: 2024-10-10. Review status: criteria provided, single submitter. Criteria: ACMG Guidelines, 2015. Collection method: clinical testing. Allele origin: germline.

CeGaT Center for Human Genetics Tuebingen
Classification: Likely benign. Last evaluated: 2023-02-01. Review status: criteria provided, single submitter. Criteria: CeGaT Center For Human Genetics Tuebingen Variant Classification Criteria Version 2. Collection method: clinical testing. Allele origin: germline. Affected: yes. Observed: 2 variant alleles.
Comment: RP1L1: BP4, BP7